The following is an entry in ClinVar:

ClinVar aggregate classification (germline): Uncertain significance (1 of 4 stars; one submission).

Conditions:
Cardiovascular phenotype. Identifiers: MedGen CN230736.

Submission:

Ambry Genetics
Classification: Uncertain significance for Cardiovascular phenotype. Last evaluated: 2025-03-15. Review status: criteria provided, single submitter. Criteria: Ambry Variant Classification Scheme 2023. Collection method: clinical testing. Allele origin: germline.
Comment: The p.H49N variant (also known as c.145C>A), located in coding exon 2 of the SPRED1 gene, results from a C to A substitution at nucleotide position 145. The histidine at codon 49 is replaced by asparagine, an amino acid with similar properties. This amino acid position is conserved. In addition, this alteration is predicted to be tolerated by in silico analysis. Based on the available evidence, the clinical significance of this variant remains unclear.

NM_152594.3(SPRED1):c.145C>A (p.His49Asn)

Gene: SPRED1 (sprouty related EVH1 domain containing 1; plus strand). Cytogenetic location: 15q14.
Variant type: single nucleotide variant.
Coding change: c.145C>A on transcript NM_152594.3 (MANE Select); coding-DNA position 145, C replaced by A.
Protein change: p.His49Asn; replaces histidine 49 with asparagine.
Molecular consequence: missense variant.
Genome position (GRCh38, 1-based): chr15:38,299,485, C>A. VCF-style: chr15-38299485-C-A. GRCh37 (hg19) VCF-style: chr15-38591686-C-A.
Other names: short protein forms H49N.
Identifiers: ClinVar variation 3961357 (VCV003961357.1).
Genomic context (GRCh38, chr15:38,299,485, plus strand): 5'-GGTGGATGGTTACCACTTGGAGGGAGTGGACTAAGCAGCGTCACTGTCTTCAAAGTCCCT[C>A]ATCAGGAAGAGAATGGCTGTGCTGACTTTTTTATCCGTGGAGAGCGACTCAGGGACAAAA-3'
Protein context (NP_689807.1, residues 39-59): LSSVTVFKVP[His49Asn]QEENGCADFF